The following is an entry in ClinVar:

NM_000096.4(CP):c.*509A>C

Genes: CP (ceruloplasmin; minus strand), HPS3 (HPS3 biogenesis of lysosomal organelles complex 2 subunit 1; plus strand). Cytogenetic location: 3q24.
Variant type: single nucleotide variant.
Coding change: c.*509A>C on transcript NM_000096.4 (MANE Select); 509 bases downstream of the stop codon, A replaced by C.
Molecular consequence: 3 prime UTR variant.
Genome position (GRCh38, 1-based): chr3:149,173,205, T>G on the plus strand (A>C on the coding strand, the complement: CP is on the minus strand). VCF-style: chr3-149173205-T-G. GRCh37 (hg19) VCF-style: chr3-148890992-T-G.
Other names: c.*983T>G (NM_001308258.2, NM_032383.5).
Identifiers: ClinVar variation 343746 (VCV000343746.7), dbSNP rs13098532, ClinGen allele CA10617495.

ClinVar aggregate classification (germline): Benign/Likely benign. Review status: criteria provided, multiple submitters, no conflicts (2 of 4 stars). 2 submissions from 2 submitters: Benign (1); Likely benign (1). Last evaluated 2021-05-12.

Conditions:
Hermansky-Pudlak syndrome 3 (HPS3). Identifiers: Orphanet 231512, Orphanet 79430, MedGen C3888001, MONDO:0013555, OMIM 614072.

Allele frequency attached by ClinVar (database versions not stated): 1000 Genomes Project 0.00599; 1000 Genomes Project 30x 0.00656; gnomAD 0.00830 and 0.00867; TOPMed 0.00886; gnomAD exomes 0.00943.
gnomAD v4.1: 1,294 of 152,968 alleles (0.85%); highest among the groups gnomAD compares: Admixed American, 1.6%; 11 homozygotes.

Submissions (2):

GeneDx
Classification: Likely benign. Last evaluated: 2021-05-12. Review status: criteria provided, single submitter. Criteria: GeneDx Variant Classification Process June 2021. Collection method: clinical testing. Allele origin: germline. Affected: yes.

Illumina Laboratory Services, Illumina
Classification: Benign for Hermansky-Pudlak syndrome 3. Last evaluated: 2018-01-12. Review status: criteria provided, single submitter. Criteria: ICSL Variant Classification Criteria 13 December 2019. Collection method: clinical testing. Allele origin: germline.
Comment: This variant was observed in the ICSL laboratory as part of a predisposition screen in an ostensibly healthy population. It had not been previously curated by ICSL or reported in the Human Gene Mutation Database (HGMD: prior to June 1st, 2018), and was therefore a candidate for classification through an automated scoring system. Utilizing variant allele frequency, disease prevalence and penetrance estimates, and inheritance mode, an automated score was calculated to assess if this variant is too frequent to cause the disease. Based on the score and internal cut-off values, a variant classified as benign is not then subjected to further curation. The score for this variant resulted in a classification of benign for this disease.